The following is an entry in ClinVar:

NM_052813.5(CARD9):c.1511+5G>A

Gene: CARD9 (caspase recruitment domain family member 9; minus strand). Cytogenetic location: 9q34.3.
Variant type: single nucleotide variant.
Coding change: c.1511+5G>A on transcript NM_052813.5 (MANE Select); 5 bases into the intron after coding-DNA position 1511, G replaced by A.
Molecular consequence: intron variant.
Genome position (GRCh38, 1-based): chr9:136,364,478, C>T on the plus strand (G>A on the coding strand, the complement: CARD9 is on the minus strand). VCF-style: chr9-136364478-C-T. GRCh37 (hg19) VCF-style: chr9-139258930-C-T.
Other names: c.1441+75G>A (NM_052814.4).
Identifiers: ClinVar variation 2060413 (VCV002060413.3), dbSNP rs761314867, ClinGen allele CA5332608.

ClinVar aggregate classification (germline): Uncertain significance (1 of 4 stars; one submission).

Conditions:
Predisposition to invasive fungal disease due to CARD9 deficiency (IMD103). Also called: IMMUNODEFICIENCY 103, SUSCEPTIBILITY TO FUNGAL INFECTIONS; Candidiasis, familial, 2, autosomal recessive; CARD9 IMMUNODEFICIENCY. Identifiers: Orphanet 457088, MedGen C1859353, MONDO:0008905, OMIM 212050.

Allele frequency attached by ClinVar (database versions not stated): gnomAD exomes below 0.00001; TOPMed 0.00001; ExAC 0.00006.
gnomAD v4.1: 1 of 1,540,226 alleles (0.000065%); highest among the groups gnomAD compares: South Asian, 0.0012%; no homozygotes.

Submission:

Labcorp Genetics (formerly Invitae), Labcorp
Classification: Uncertain significance for Predisposition to invasive fungal disease due to CARD9 deficiency. Last evaluated: 2021-12-19. Review status: criteria provided, single submitter. Criteria: Invitae Variant Classification Sherloc (09022015). Collection method: clinical testing. Allele origin: germline.
Comment: The frequency data for this variant in the population databases is considered unreliable, as metrics indicate poor data quality at this position in the gnomAD database. In summary, the available evidence is currently insufficient to determine the role of this variant in disease. Therefore, it has been classified as a Variant of Uncertain Significance. Variants that disrupt the consensus splice site are a relatively common cause of aberrant splicing (PMID: 17576681, 9536098). Algorithms developed to predict the effect of sequence changes on RNA splicing suggest that this variant may disrupt the consensus splice site. This variant has not been reported in the literature in individuals affected with CARD9-related conditions. This sequence change falls in intron 12 of the CARD9 gene. It does not directly change the encoded amino acid sequence of the CARD9 protein. It affects a nucleotide within the consensus splice site.

Literature cited by the submitters: PubMed 17576681; PubMed 9536098.